The following is an entry in ClinVar:

ClinVar aggregate classification (germline): Pathogenic (1 of 4 stars; one submission).

Conditions:
T-cell immunodeficiency, congenital alopecia, and nail dystrophy. Also called: Congenital alopecia and nail dystrophy associated with severe functional T-cell immunodeficiency; Pignata Guarino syndrome. Identifiers: Orphanet 169095, MedGen C1866426, MONDO:0011132, OMIM 601705.

Submission:

Labcorp Genetics (formerly Invitae), Labcorp
Classification: Pathogenic for T-cell immunodeficiency, congenital alopecia, and nail dystrophy. Last evaluated: 2023-05-29. Review status: criteria provided, single submitter. Criteria: Invitae Variant Classification Sherloc (09022015). Collection method: clinical testing. Allele origin: germline.
Comment: For these reasons, this variant has been classified as Pathogenic. This variant has not been reported in the literature in individuals affected with FOXN1-related conditions. This variant is not present in population databases (gnomAD no frequency). This sequence change creates a premature translational stop signal (p.Ser407*) in the FOXN1 gene. It is expected to result in an absent or disrupted protein product. Loss-of-function variants in FOXN1 are known to be pathogenic (PMID: 10206641, 15180707, 31447097).

Literature cited by the submitters: PubMed 10206641; PubMed 15180707; PubMed 31447097.

NM_001369369.1(FOXN1):c.1220C>G (p.Ser407Ter)

Gene: FOXN1 (forkhead box N1; plus strand). Cytogenetic location: 17q11.2.
Variant type: single nucleotide variant.
Coding change: c.1220C>G on transcript NM_001369369.1 (MANE Select); coding-DNA position 1220, C replaced by G.
Protein change: p.Ser407Ter; replaces serine 407 with a stop codon.
Molecular consequence: nonsense.
Genome position (GRCh38, 1-based): chr17:28,534,791, C>G. VCF-style: chr17-28534791-C-G. GRCh37 (hg19) VCF-style: chr17-26861809-C-G.
Other names: c.1220C>G, p.Ser407Ter (NM_003593.3); short protein forms S407*.
Identifiers: ClinVar variation 2820427 (VCV002820427.3), dbSNP rs2508427515, ClinGen allele CA398325567.